The following is an entry in ClinVar:

ClinVar aggregate classification (germline): Uncertain significance. Review status: criteria provided, multiple submitters, no conflicts (2 of 4 stars). 3 submissions from 3 submitters: Uncertain significance (3). Last evaluated 2025-10-13.

Conditions:
Hypertrophic cardiomyopathy. Also called: HYPERTROPHIC MYOCARDIOPATHY. Identifiers: Orphanet 217569, MedGen C0007194, MeSH D002312, MONDO:0005045, HP:0001639.
Cardiomyopathy (CMYO). Also called: Cardiomyopathies. Identifiers: Orphanet 167848, MedGen C0878544, MONDO:0004994, HP:0001638. Inheritance: Various modes of inheritance.

Allele frequency attached by ClinVar (database versions not stated): gnomAD 0.00001; gnomAD exomes 0.00001; TOPMed below 0.00001; ExAC 0.00001.

Submissions (3):

Labcorp Genetics (formerly Invitae), Labcorp
Classification: Uncertain significance for Hypertrophic cardiomyopathy. Last evaluated: 2025-10-13. Review status: criteria provided, single submitter. Criteria: Invitae Variant Classification Sherloc (09022015). Collection method: clinical testing. Allele origin: germline.
Comment: This sequence change falls in intron 39 of the MYH7 gene. It does not directly change the encoded amino acid sequence of the MYH7 protein. It affects a nucleotide within the consensus splice site. This variant is present in population databases (rs776550740, gnomAD 0.0009%). This variant has not been reported in the literature in individuals affected with MYH7-related conditions. ClinVar contains an entry for this variant (Variation ID: 2773888). Variants that disrupt the consensus splice site are a relatively common cause of aberrant splicing (PMID: 17576681, 9536098). Algorithms developed to predict the effect of sequence changes on RNA splicing suggest that this variant is not likely to affect RNA splicing. In summary, the available evidence is currently insufficient to determine the role of this variant in disease. Therefore, it has been classified as a Variant of Uncertain Significance.

All of Us Research Program, National Institutes of Health
Classification: Uncertain significance for Cardiomyopathy. Last evaluated: 2024-05-14. Review status: criteria provided, single submitter. Criteria: ACMG Guidelines, 2015. Collection method: clinical testing. Allele origin: germline. Inheritance: Autosomal dominant inheritance. Observed: 1 variant allele, 1 heterozygote.
Comment: This variant causes a G to T nucleotide substitution at the +4 position of intron 39 of the MYH7 gene. To our knowledge, RNA studies have not been reported for this variant. This variant has not been reported in individuals affected with MYH7-related disorders in the literature. This variant has been identified in 1/251018 chromosomes in the general population by the Genome Aggregation Database (gnomAD). The available evidence is insufficient to determine the role of this variant in disease conclusively. Therefore, this variant is classified as a Variant of Uncertain Significance.

This study involves interpretation of variants in research participants for the purpose of population health screening. Participant phenotype was not available at the time of variant classification. Additional details can be found in publication PMID: 35346344, PMCID: PMC8962531

Color Diagnostics, LLC DBA Color Health
Classification: Uncertain significance for Cardiomyopathy. Last evaluated: 2024-05-02. Review status: criteria provided, single submitter. Criteria: ACMG Guidelines, 2015. Collection method: clinical testing. Allele origin: germline.
Comment: This variant causes a G to T nucleotide substitution at the +4 position of intron 39 of the MYH7 gene. To our knowledge, RNA studies have not been reported for this variant. This variant has not been reported in individuals affected with MYH7-related disorders in the literature. This variant has been identified in 1/251018 chromosomes in the general population by the Genome Aggregation Database (gnomAD). The available evidence is insufficient to determine the role of this variant in disease conclusively. Therefore, this variant is classified as a Variant of Uncertain Significance.

Literature cited by the submitters: PubMed 17576681 (cited by Labcorp Genetics (formerly Invitae), Labcorp); PubMed 9536098 (cited by Labcorp Genetics (formerly Invitae), Labcorp).

NM_000257.4(MYH7):c.5790+4G>T

Gene: MYH7 (myosin heavy chain 7; minus strand). Cytogenetic location: 14q11.2.
Variant type: single nucleotide variant.
Coding change: c.5790+4G>T on transcript NM_000257.4 (MANE Select); 4 bases into the intron after coding-DNA position 5790, G replaced by T.
Molecular consequence: intron variant.
Genome position (GRCh38, 1-based): chr14:23,413,755, C>A on the plus strand (G>T on the coding strand, the complement: MYH7 is on the minus strand). VCF-style: chr14-23413755-C-A. GRCh37 (hg19) VCF-style: chr14-23882964-C-A.
Other names: c.5790+4G>T (NM_001407004.1).
Identifiers: ClinVar variation 2773888 (VCV002773888.5), dbSNP rs776550740, ClinGen allele CA048326.